The following is an entry in ClinVar:

ClinVar aggregate classification (germline): Uncertain significance (1 of 4 stars; one submission).

Conditions:
Cardiovascular phenotype. Identifiers: MedGen CN230736.

Submission:

Ambry Genetics
Classification: Uncertain significance for Cardiovascular phenotype. Last evaluated: 2025-02-04. Review status: criteria provided, single submitter. Criteria: Ambry Variant Classification Scheme 2023. Collection method: clinical testing. Allele origin: germline.
Comment: The c.11829_11835delTGTATTG variant, located in coding exon 45 of the ANK2 gene, results from a deletion of 7 nucleotides at nucleotide positions 11829 to 11835, causing a translational frameshift with a predicted alternate stop codon (p.V3944Rfs*69). This alteration occurs at the 3' terminus of theANK2 gene, is not expected to trigger nonsense-mediated mRNAdecay and results in the elongation of the protein by 54 amino acids. This frameshift impacts the last 14amino acids of the native protein. The exact functional effect of the altered amino acids is unknown. Based on the available evidence, the clinical significance of this variant remains unclear.

NM_001148.6(ANK2):c.11829_11835del (p.Val3944fs)

Gene: ANK2 (ankyrin 2; plus strand). Cytogenetic location: 4q26.
Variant type: Deletion.
Coding change: c.11829_11835del on transcript NM_001148.6 (MANE Select); coding-DNA positions 11829 to 11835, 7 bases deleted (TGTATTG; older notation c.11829_11835delTGTATTG).
Protein change: p.Val3944fs; shifts the reading frame from valine 3944.
Molecular consequence: frameshift variant. On other transcripts: intron variant (9).
Genome position (GRCh38, 1-based): chr4:113,373,419-113,373,425, TGTATTG deleted. VCF-style (leftmost placement, unchanged base first): chr4-113373418-TTGTATTG-T. GRCh37 (hg19) VCF-style: chr4-114294574-TTGTATTG-T.
Other names: c.5547_5553del, p.Val1850fs (NM_001127493.3); c.5586_5592del, p.Val1863fs (NM_001354225.2); c.5568_5574del, p.Val1857fs (NM_001354228.2); c.5553_5559del, p.Val1852fs (NM_001354230.2); c.5709_5715del, p.Val1904fs (NM_001354231.2); c.5703_5709del, p.Val1902fs (NM_001354232.2); c.5664_5670del, p.Val1889fs (NM_001354235.2); c.5472_5478del, p.Val1825fs (NM_001354236.2); and 50 more; short protein forms V1042fs, V1731fs, V1797fs, V1807fs, V1814fs, V1858fs, V1863fs, V1869fs.
Identifiers: ClinVar variation 3864098 (VCV003864098.1).